The following is an entry in ClinVar:

ClinVar aggregate classification (germline): Uncertain significance. Review status: criteria provided, multiple submitters, no conflicts (2 of 4 stars). 2 submissions from 2 submitters: Uncertain significance (2). Last evaluated 2023-10-06.

Conditions:
Charcot-Marie-Tooth disease axonal type 2O. Also called: Charcot-Marie-Tooth disease, axonal, type 20; CHARCOT-MARIE-TOOTH NEUROPATHY, AXONAL, TYPE 2O; CHARCOT-MARIE-TOOTH DISEASE, AXONAL, AUTOSOMAL DOMINANT, TYPE 2O; Charcot-Marie-Tooth Neuropathy Type 2O. Identifiers: Orphanet 284232, MedGen C3280220, MONDO:0013644, OMIM 614228.

Allele frequency attached by ClinVar (database versions not stated): gnomAD 0.00001; gnomAD exomes 0.00001; TOPMed 0.00001.

Submissions (2):

Labcorp Genetics (formerly Invitae), Labcorp
Classification: Uncertain significance for Charcot-Marie-Tooth disease axonal type 2O. Last evaluated: 2023-10-06. Review status: criteria provided, single submitter. Criteria: Invitae Variant Classification Sherloc (09022015). Collection method: clinical testing. Allele origin: germline.
Comment: This sequence change replaces methionine, which is neutral and non-polar, with threonine, which is neutral and polar, at codon 1041 of the DYNC1H1 protein (p.Met1041Thr). This variant is not present in population databases (gnomAD no frequency). This variant has not been reported in the literature in individuals affected with DYNC1H1-related conditions. ClinVar contains an entry for this variant (Variation ID: 1803294). Advanced modeling of protein sequence and biophysical properties (such as structural, functional, and spatial information, amino acid conservation, physicochemical variation, residue mobility, and thermodynamic stability) performed at Invitae indicates that this missense variant is not expected to disrupt DYNC1H1 protein function. In summary, the available evidence is currently insufficient to determine the role of this variant in disease. Therefore, it has been classified as a Variant of Uncertain Significance.

GeneDx
Classification: Uncertain significance. Last evaluated: 2022-11-30. Review status: criteria provided, single submitter. Criteria: GeneDx Variant Classification Process June 2021. Collection method: clinical testing. Allele origin: germline. Affected: yes.
Comment: Not observed at significant frequency in large population cohorts (gnomAD); In silico analysis supports that this missense variant does not alter protein structure/function; Has not been previously published as pathogenic or benign to our knowledge; This variant is associated with the following publications: (PMID: 25609763, 25512093, 26100331)

NM_001376.5(DYNC1H1):c.3122T>C (p.Met1041Thr)

Gene: DYNC1H1 (dynein cytoplasmic 1 heavy chain 1; plus strand). Cytogenetic location: 14q32.31.
Variant type: single nucleotide variant.
Coding change: c.3122T>C on transcript NM_001376.5 (MANE Select); coding-DNA position 3122, T replaced by C.
Protein change: p.Met1041Thr; replaces methionine 1041 with threonine.
Molecular consequence: missense variant.
Genome position (GRCh38, 1-based): chr14:101,994,290, T>C. VCF-style: chr14-101994290-T-C. GRCh37 (hg19) VCF-style: chr14-102460627-T-C.
Other names: short protein forms M1041T.
Identifiers: ClinVar variation 1803294 (VCV001803294.4), dbSNP rs2048032236, ClinGen allele CA391032449.